The following is an entry in ClinVar:

NM_003900.5(SQSTM1):c.1207T>A (p.Ser403Thr)

Gene: SQSTM1 (sequestosome 1; plus strand). Cytogenetic location: 5q35.3.
Variant type: single nucleotide variant.
Coding change: c.1207T>A on transcript NM_003900.5 (MANE Select); coding-DNA position 1207, T replaced by A.
Protein change: p.Ser403Thr; replaces serine 403 with threonine.
Molecular consequence: missense variant.
Genome position (GRCh38, 1-based): chr5:179,836,477, T>A. VCF-style: chr5-179836477-T-A. GRCh37 (hg19) VCF-style: chr5-179263477-T-A.
Other names: c.955T>A, p.Ser319Thr (NM_001142298.2, NM_001142299.2); short protein forms S319T, S403T.
Identifiers: ClinVar variation 1806688 (VCV001806688.8), dbSNP rs771657338, ClinGen allele CA3600860.

ClinVar aggregate classification (germline): Conflicting classifications of pathogenicity. Review status: criteria provided, conflicting classifications (1 of 4 stars). 3 submissions from 3 submitters: Uncertain significance (2); Likely benign (1). Last evaluated 2025-12-01.

Conditions:
Inborn genetic diseases. Identifiers: MedGen C0950123, MeSH D030342.
Frontotemporal dementia and/or amyotrophic lateral sclerosis 1 (FTDALS1). Also called: Frontotemporal dementia with motor neuron disease 1; C9orf72 Frontotemporal Dementia and/or Amyotrophic Lateral Sclerosis. Identifiers: Orphanet 275872, MedGen C5779877, MONDO:0007105, OMIM 105550.
Paget disease of bone 2, early-onset (PDB2). Also called: Paget disease of bone 2. Identifiers: MedGen C4085251, MONDO:0011183, OMIM 602080.

Allele frequency attached by ClinVar (database versions not stated): gnomAD exomes 0.00003; ExAC 0.00007.
gnomAD v4.1: 50 of 1,614,036 alleles (0.0031%); highest among the groups gnomAD compares: South Asian, 0.052%; no homozygotes.

Submissions (3):

Labcorp Genetics (formerly Invitae), Labcorp
Classification: Likely benign for Paget disease of bone 2, early-onset; Frontotemporal dementia and/or amyotrophic lateral sclerosis 1. Last evaluated: 2025-12-01. Review status: criteria provided, single submitter. Criteria: Invitae Variant Classification Sherloc (09022015). Collection method: clinical testing. Allele origin: germline.

GeneDx
Classification: Uncertain significance. Last evaluated: 2024-06-06. Review status: criteria provided, single submitter. Criteria: GeneDx Variant Classification Process June 2021. Collection method: clinical testing. Allele origin: germline. Affected: yes.
Comment: In silico analysis indicates that this missense variant does not alter protein structure/function; Has not been previously published as pathogenic or benign to our knowledge

Ambry Genetics
Classification: Uncertain significance for Inborn genetic diseases. Last evaluated: 2023-11-14. Review status: criteria provided, single submitter. Criteria: Ambry Variant Classification Scheme 2023. Collection method: clinical testing. Allele origin: germline.